The following is an entry in ClinVar:

ClinVar aggregate classification (germline): Uncertain significance (1 of 4 stars; one submission).

Submission:

GeneDx
Classification: Uncertain significance. Last evaluated: 2019-01-04. Review status: criteria provided, single submitter. Criteria: GeneDx Variant Classification Process June 2021. Collection method: clinical testing. Allele origin: germline. Affected: yes.
Comment: Not observed in large population cohorts (Lek et al., 2016); In silico analysis supports that this missense variant does not alter protein structure/function; Has not been previously published as pathogenic or benign to our knowledge

NM_002485.5(NBN):c.436G>C (p.Glu146Gln)

Gene: NBN (nibrin; minus strand). Cytogenetic location: 8q21.3.
Variant type: single nucleotide variant.
Coding change: c.436G>C on transcript NM_002485.5 (MANE Select); coding-DNA position 436, G replaced by C.
Protein change: p.Glu146Gln; replaces glutamic acid 146 with glutamine.
Molecular consequence: missense variant.
Genome position (GRCh38, 1-based): chr8:89,980,778, C>G on the plus strand (G>C on the coding strand, the complement: NBN is on the minus strand). VCF-style: chr8-89980778-C-G. GRCh37 (hg19) VCF-style: chr8-90993006-C-G.
Other names: c.190G>C, p.Glu64Gln (NM_001024688.3); short protein forms E146Q, E64Q.
Identifiers: ClinVar variation 1304469 (VCV001304469.2), dbSNP rs1812023357, ClinGen allele CA371661691.